The following is an entry in ClinVar:

NM_006231.4(POLE):c.2966T>C (p.Val989Ala)

Gene: POLE (DNA polymerase epsilon, catalytic subunit; minus strand). Cytogenetic location: 12q24.33.
Variant type: single nucleotide variant.
Coding change: c.2966T>C on transcript NM_006231.4 (MANE Select); coding-DNA position 2966, T replaced by C.
Protein change: p.Val989Ala; replaces valine 989 with alanine.
Molecular consequence: missense variant.
Genome position (GRCh38, 1-based): chr12:132,661,063, A>G on the plus strand (T>C on the coding strand, the complement: POLE is on the minus strand). VCF-style: chr12-132661063-A-G. GRCh37 (hg19) VCF-style: chr12-133237649-A-G.
Other names: short protein forms V989A.
Identifiers: ClinVar variation 1425541 (VCV001425541.11), dbSNP rs2138690577, ClinGen allele CA387392463.

ClinVar aggregate classification (germline): Uncertain significance. Review status: criteria provided, multiple submitters, no conflicts (2 of 4 stars). 2 submissions from 2 submitters: Uncertain significance (2). Last evaluated 2025-05-27.

Conditions:
Hereditary cancer-predisposing syndrome. Also called: Tumor predisposition; Hereditary neoplastic syndrome; Neoplastic Syndromes, Hereditary; Hereditary Cancer Syndrome. Identifiers: Orphanet 140162, MedGen C0027672, MeSH D009386, MONDO:0015356.

Submissions (2):

Ambry Genetics
Classification: Uncertain significance for Hereditary cancer-predisposing syndrome. Last evaluated: 2025-05-27. Review status: criteria provided, single submitter. Criteria: Ambry Variant Classification Scheme 2023. Collection method: clinical testing. Allele origin: germline.
Comment: The p.V989A variant (also known as c.2966T>C), located in coding exon 25 of the POLE gene, results from a T to C substitution at nucleotide position 2966. The valine at codon 989 is replaced by alanine, an amino acid with similar properties. This amino acid position is conserved. In addition, the in silico prediction for this alteration is inconclusive. Based on the available evidence, the clinical significance of this variant remains unclear.

Labcorp Genetics (formerly Invitae), Labcorp
Classification: Uncertain significance. Last evaluated: 2021-03-31. Review status: criteria provided, single submitter. Criteria: Invitae Variant Classification Sherloc (09022015). Collection method: clinical testing. Allele origin: germline.
Comment: This sequence change replaces valine with alanine at codon 989 of the POLE protein (p.Val989Ala). The valine residue is highly conserved and there is a small physicochemical difference between valine and alanine. Algorithms developed to predict the effect of missense changes on protein structure and function (SIFT, PolyPhen-2, Align-GVGD) all suggest that this variant is likely to be disruptive, but these predictions have not been confirmed by published functional studies and their clinical significance is uncertain. This variant has not been reported in the literature in individuals with POLE-related conditions. This variant is not present in population databases (ExAC no frequency). In summary, the available evidence is currently insufficient to determine the role of this variant in disease. Therefore, it has been classified as a Variant of Uncertain Significance.